The following is an entry in ClinVar:

NM_005993.5(TBCD):c.1272_1318+43del

Gene: TBCD (tubulin folding cofactor D). Cytogenetic location: 17q25.3.
Variant type: Deletion.
Coding change: c.1272_1318+43del on transcript NM_005993.5 (MANE Select); coding-DNA position 1272 through 43 bases into the intron after coding-DNA position 1318, this stretch deleted.
Molecular consequence: splice donor variant.
Genome position: GRCh38: chr17:82,814,888-82,814,977. GRCh37 (hg19): chr17:80,772,764-80,772,853.
Other names: c.1272_1318+43del (NM_001411102.1); c.1221_1267+43del (NM_001411101.1).
Identifiers: ClinVar variation 2973218 (VCV002973218.4), dbSNP rs1568177942, ClinGen allele CA8861969.

ClinVar aggregate classification (germline): Likely pathogenic. Review status: criteria provided, multiple submitters, no conflicts (2 of 4 stars). 2 submissions from 2 submitters: Likely pathogenic (2). Last evaluated 2025-06-04.

Conditions:
TBCD-related disorder. Also called: TBCD-related condition.

Submissions (2):

Labcorp Genetics (formerly Invitae), Labcorp
Classification: Likely pathogenic. Last evaluated: 2025-06-04. Review status: criteria provided, single submitter. Criteria: Invitae Variant Classification Sherloc (09022015). Collection method: clinical testing. Allele origin: germline.
Comment: This variant results in the deletion of part of exon 13 of the TBCD gene. It is expected to disrupt RNA splicing. Variants that disrupt the donor or acceptor splice site typically lead to a loss of protein function (PMID: 16199547), and loss-of-function variants in TBCD are known to be pathogenic (PMID: 27666370, 27666374). The frequency data for this variant in the population databases is considered unreliable, as metrics indicate poor data quality at this position in the gnomAD database. This variant has not been reported in the literature in individuals affected with TBCD-related conditions. ClinVar contains an entry for this variant (Variation ID: 2973218). In summary, the currently available evidence indicates that the variant is pathogenic, but additional data are needed to prove that conclusively. Therefore, this variant has been classified as Likely Pathogenic.

Blueprint Genetics
Classification: Likely pathogenic for TBCD-related disorders. Last evaluated: 2024-07-17. Review status: criteria provided, single submitter. Criteria: ACMG Guidelines, 2015. Collection method: clinical testing. Allele origin: germline. Affected: yes. Observed: 4 variant alleles.

Literature cited by the submitters: PubMed 16199547 (cited by Labcorp Genetics (formerly Invitae), Labcorp); PubMed 27666370 (cited by Labcorp Genetics (formerly Invitae), Labcorp); PubMed 27666374 (cited by Labcorp Genetics (formerly Invitae), Labcorp).